The following is an entry in ClinVar:

ClinVar aggregate classification (germline): Uncertain significance. Review status: criteria provided, multiple submitters, no conflicts (2 of 4 stars). 2 submissions from 2 submitters: Uncertain significance (2). Last evaluated 2026-02-01.

Conditions:
Inborn genetic diseases. Identifiers: MedGen C0950123, MeSH D030342.
Xeroderma pigmentosum, group F (XPF). Also called: ERCC4-Related Xeroderma Pigmentosum; XERODERMA PIGMENTOSUM, COMPLEMENTATION GROUP F; XERODERMA PIGMENTOSUM VI; XP, GROUP F; XERODERMA PIGMENTOSUM, TYPE F; Xeroderma pigmentosum, type 6. Identifiers: MedGen C0268140, MONDO:0010215, OMIM 278760.
Fanconi anemia complementation group Q. Identifiers: Orphanet 84, MedGen C3808988, MONDO:0014108, OMIM 615272.
Cockayne syndrome. Identifiers: Orphanet 191, MedGen C0009207, MONDO:0016006.

Allele frequency attached by ClinVar (database versions not stated): ExAC 0.00001; TOPMed 0.00002; gnomAD 0.00005 and 0.00007.
gnomAD v4.1: 13 of 1,614,052 alleles (0.00081%); highest among the groups gnomAD compares: Admixed American, 0.012%; 1 homozygote.

Submissions (2):

Labcorp Genetics (formerly Invitae), Labcorp
Classification: Uncertain significance for Fanconi anemia complementation group Q; Xeroderma pigmentosum, group F; Cockayne syndrome. Last evaluated: 2026-02-01. Review status: criteria provided, single submitter. Criteria: Invitae Variant Classification Sherloc (09022015). Collection method: clinical testing. Allele origin: germline.
Comment: This sequence change replaces proline, which is neutral and non-polar, with leucine, which is neutral and non-polar, at codon 763 of the ERCC4 protein (p.Pro763Leu). This variant is present in population databases (rs761087753, gnomAD 0.005%). This variant has not been reported in the literature in individuals affected with ERCC4-related conditions. ClinVar contains an entry for this variant (Variation ID: 569796). Invitae Evidence Modeling of protein sequence and biophysical properties (such as structural, functional, and spatial information, amino acid conservation, physicochemical variation, residue mobility, and thermodynamic stability) has been performed for this missense variant. However, the output from this modeling did not meet the statistical confidence thresholds required to predict the impact of this variant on ERCC4 protein function. In summary, the available evidence is currently insufficient to determine the role of this variant in disease. Therefore, it has been classified as a Variant of Uncertain Significance.

Ambry Genetics
Classification: Uncertain significance for Inborn genetic diseases. Last evaluated: 2025-08-01. Review status: criteria provided, single submitter. Criteria: Ambry Variant Classification Scheme 2023. Collection method: clinical testing. Allele origin: germline.

NM_005236.3(ERCC4):c.2288C>T (p.Pro763Leu)

Gene: ERCC4 (ERCC excision repair 4, endonuclease catalytic subunit; plus strand). Cytogenetic location: 16p13.12.
Variant type: single nucleotide variant.
Coding change: c.2288C>T on transcript NM_005236.3 (MANE Select); coding-DNA position 2288, C replaced by T.
Protein change: p.Pro763Leu; replaces proline 763 with leucine.
Molecular consequence: missense variant.
Genome position (GRCh38, 1-based): chr16:13,947,884, C>T. VCF-style: chr16-13947884-C-T. GRCh37 (hg19) VCF-style: chr16-14041741-C-T.
Other names: short protein forms P763L.
Identifiers: ClinVar variation 569796 (VCV000569796.11), dbSNP rs761087753, ClinGen allele CA7910717.
Genomic context (GRCh38, chr16:13,947,884, plus strand): 5'-GCCAGTGCATCTCCATGTCCCGCTACTACAAGCGTCCCGTGCTTCTGATTGAGTTTGACC[C>T]TAGCAAGCCTTTCTCTCTCACTTCCCGAGGTGCCTTGTTTCAGGAGATCTCCAGCAATGA-3'
Protein context (NP_005227.1, residues 753-773): KRPVLLIEFD[Pro763Leu]SKPFSLTSRG